The following is an entry in ClinVar:

NM_001376256.1(CRYM):c.283_285dup (p.Thr95_Val96insThr)

Gene: CRYM (crystallin mu; minus strand). Cytogenetic location: 16p12.2.
Variant type: Duplication.
Coding change: c.283_285dup on transcript NM_001376256.1 (MANE Select); coding-DNA positions 283 to 285, 3 bases duplicated (ACT; older notation c.283_285dupACT).
Protein change: p.Thr95_Val96insThr.
Molecular consequence: inframe insertion.
Genome position (GRCh38, 1-based): chr16:21,277,470-21,277,472, AGT duplicated on the plus strand (ACT on the coding strand, the reverse complement: CRYM is on the minus strand); duplicating any 3 consecutive bases within chr16:21,277,470-21,277,474 gives the same sequence; the c. name uses the placement nearest the transcript's 3' end. VCF-style (leftmost placement, unchanged base first): chr16-21277469-C-CAGT. GRCh37 (hg19) VCF-style: chr16-21288790-C-CAGT.
Other names: c.283_285dup, p.Thr95_Val96insThr (NM_001888.5).
Identifiers: ClinVar variation 4995989 (VCV004995989.1).

ClinVar aggregate classification (germline): Uncertain significance (1 of 4 stars; one submission).

Conditions:
CRYM-related disorder. Also called: CRYM-related condition.

Submission:

PreventionGenetics, part of Exact Sciences
Classification: Uncertain significance for CRYM-related condition. Last evaluated: 2026-06-03. Review status: criteria provided, single submitter. Criteria: ACMG Guidelines, 2015. Collection method: clinical testing. Allele origin: germline.
Comment: The CRYM c.283_285dupACT variant is predicted to result in an in-frame duplication (p.Thr95dup). To our knowledge, this variant has not been reported in the literature or in a large population database (gnomAD), indicating this variant is rare. At this time, the clinical significance of this variant is uncertain due to the absence of conclusive functional and genetic evidence.